The following is an entry in ClinVar:

ClinVar aggregate classification (germline): Uncertain significance (1 of 4 stars; one submission).

Conditions:
Combined immunodeficiency due to STIM1 deficiency. Also called: STIM1 DEFICIENCY; IMMUNODEFICIENCY 10. Identifiers: Orphanet 169090, Orphanet 317430, MedGen C2748557, MONDO:0013008, OMIM 612783.
Stormorken syndrome (STRMK). Also called: THROMBOCYTOPATHY, ASPLENIA, AND MIOSIS. Identifiers: Orphanet 3204, MedGen C1861451, MONDO:0008497, OMIM 185070.
Myopathy with tubular aggregates (TAM). Also called: Tubular Aggregate Myopathy. Identifiers: Orphanet 2593, MedGen C0410207, MONDO:0008051.

Allele frequency attached by ClinVar (database versions not stated): TOPMed below 0.00001; gnomAD exomes 0.00001; ExAC 0.00002; gnomAD 0.00002; ESP Exome Variant Server 0.00008.

Submission:

Labcorp Genetics (formerly Invitae), Labcorp
Classification: Uncertain significance for Myopathy with tubular aggregates; Combined immunodeficiency due to STIM1 deficiency; Stormorken syndrome. Last evaluated: 2024-08-20. Review status: criteria provided, single submitter. Criteria: Invitae Variant Classification Sherloc (09022015). Collection method: clinical testing. Allele origin: germline.
Comment: This sequence change replaces methionine, which is neutral and non-polar, with threonine, which is neutral and polar, at codon 597 of the STIM1 protein (p.Met597Thr). This variant is present in population databases (rs370556532, gnomAD 0.004%). This variant has not been reported in the literature in individuals affected with STIM1-related conditions. Invitae Evidence Modeling of protein sequence and biophysical properties (such as structural, functional, and spatial information, amino acid conservation, physicochemical variation, residue mobility, and thermodynamic stability) has been performed for this missense variant. However, the output from this modeling did not meet the statistical confidence thresholds required to predict the impact of this variant on STIM1 protein function. In summary, the available evidence is currently insufficient to determine the role of this variant in disease. Therefore, it has been classified as a Variant of Uncertain Significance.

NM_001382567.1(STIM1):c.1883T>C (p.Met628Thr)

Genes: STIM1 (stromal interaction molecule 1; plus strand), LOC124418421 (Sharpr-MPRA regulatory region 9588; plus strand). Cytogenetic location: 11p15.4.
Variant type: single nucleotide variant.
Coding change: c.1883T>C on transcript NM_001382567.1 (MANE Select); coding-DNA position 1883, T replaced by C.
Protein change: p.Met628Thr; replaces methionine 628 with threonine.
Molecular consequence: missense variant. On other transcripts: 3 prime UTR variant (4), non-coding transcript variant (3).
Genome position (GRCh38, 1-based): chr11:4,091,530, T>C. VCF-style: chr11-4091530-T-C. GRCh37 (hg19) VCF-style: chr11-4112760-T-C.
Other names: c.2108T>C, p.Met703Thr (NM_001277961.3); c.*204T>C (NM_001277962.2, NM_001382578.1, NM_001382579.1 and 1 more transcripts); c.1886T>C, p.Met629Thr (NM_001382566.1); c.1811T>C, p.Met604Thr (NM_001382568.1); c.1655T>C, p.Met552Thr (NM_001382569.1); c.1562T>C, p.Met521Thr (NM_001382570.1); c.1310T>C, p.Met437Thr (NM_001382571.1); c.1568T>C, p.Met523Thr (NM_001382575.1, NM_001382576.1, NM_001382577.1); and 2 more; short protein forms M434T, M437T, M521T, M703T, M523T, M597T, M629T, M552T.
Identifiers: ClinVar variation 2932014 (VCV002932014.3), dbSNP rs370556532, ClinGen allele CA5830627.